The following is an entry in ClinVar:

ClinVar aggregate classification (germline): Conflicting classifications of pathogenicity. Review status: criteria provided, conflicting classifications (1 of 4 stars). 3 submissions from 3 submitters: Uncertain significance (1); Likely benign (1). 1 of the submissions does not count toward it. Last evaluated 2026-01-22.

Conditions:
Inborn genetic diseases. Identifiers: MedGen C0950123, MeSH D030342.
COL7A1-related disorder. Also called: COL7A1- related disorders; COL7A1-related condition.

Allele frequency attached by ClinVar (database versions not stated): gnomAD exomes 0.00006 and 0.00017; ExAC 0.00019; ESP Exome Variant Server 0.00069; 1000 Genomes Project 0.00080; gnomAD 0.00080 and 0.00086; TOPMed 0.00093; 1000 Genomes Project 30x 0.00094.
gnomAD v4.1: 210 of 1,614,022 alleles (0.013%); highest among the groups gnomAD compares: African/African-American, 0.24%; no homozygotes.

Submissions (3):

Labcorp Genetics (formerly Invitae), Labcorp
Classification: Likely benign. Last evaluated: 2026-01-22. Review status: criteria provided, single submitter. Criteria: Invitae Variant Classification Sherloc (09022015). Collection method: clinical testing. Allele origin: germline.

Ambry Genetics
Classification: Uncertain significance for Inborn genetic diseases. Last evaluated: 2025-11-26. Review status: criteria provided, single submitter. Criteria: Ambry Variant Classification Scheme 2023. Collection method: clinical testing. Allele origin: germline.

PreventionGenetics, part of Exact Sciences
Classification: Likely benign for COL7A1-related condition. Last evaluated: 2024-08-06. Review status: no assertion criteria provided. Collection method: clinical testing. Allele origin: germline. Not counted in ClinVar's aggregate classification.
Comment: This variant is classified as likely benign based on ACMG/AMP sequence variant interpretation guidelines (Richards et al. 2015 PMID: 25741868, with internal and published modifications).

NM_000094.4(COL7A1):c.8791C>T (p.Pro2931Ser)

Gene: COL7A1 (collagen type VII alpha 1 chain; minus strand). Cytogenetic location: 3p21.31.
Variant type: single nucleotide variant.
Coding change: c.8791C>T on transcript NM_000094.4 (MANE Select); coding-DNA position 8791, C replaced by T.
Protein change: p.Pro2931Ser; replaces proline 2931 with serine.
Molecular consequence: missense variant.
Genome position (GRCh38, 1-based): chr3:48,564,810, G>A on the plus strand (C>T on the coding strand, the complement: COL7A1 is on the minus strand). VCF-style: chr3-48564810-G-A. GRCh37 (hg19) VCF-style: chr3-48602243-G-A.
Other names: short protein forms P2931S.
Identifiers: ClinVar variation 721614 (VCV000721614.12), dbSNP rs145381088, ClinGen allele CA2377877.